The following is an entry in ClinVar:

NM_139276.3(STAT3):c.340C>T (p.Arg114Cys)

Gene: STAT3 (signal transducer and activator of transcription 3; minus strand). Cytogenetic location: 17q21.2.
Variant type: single nucleotide variant.
Coding change: c.340C>T on transcript NM_139276.3 (MANE Select); coding-DNA position 340, C replaced by T.
Protein change: p.Arg114Cys; replaces arginine 114 with cysteine.
Molecular consequence: missense variant. On other transcripts: intron variant (1).
Genome position (GRCh38, 1-based): chr17:42,345,591, G>A on the plus strand (C>T on the coding strand, the complement: STAT3 is on the minus strand). VCF-style: chr17-42345591-G-A. GRCh37 (hg19) VCF-style: chr17-40497609-G-A.
Other names: c.340C>T, p.Arg114Cys (NM_001369512.1, NM_001369513.1, NM_001369514.1 and 16 more transcripts); c.274-12C>T (NM_001384985.1); short protein forms R114C.
Identifiers: ClinVar variation 1442787 (VCV001442787.6), dbSNP rs964892419, ClinGen allele CA290746475.

ClinVar aggregate classification (germline): Uncertain significance (1 of 4 stars; one submission).

Conditions:
Hyper-IgE recurrent infection syndrome 1, autosomal dominant. Also called: JOB SYNDROME; STAT3 Hyper IgE Syndrome; HYPER-IgE SYNDROME 1, AUTOSOMAL DOMINANT, WITH RECURRENT INFECTIONS; Hyper-IgE recurrent infection syndrome 1; Job's Syndrome. Identifiers: Orphanet 2314, MedGen C2936739, MONDO:0007818, OMIM 147060.
STAT3 gain of function. Identifiers: MedGen C4288261.

Allele frequency attached by ClinVar (database versions not stated): gnomAD exomes below 0.00001.

Submission:

Labcorp Genetics (formerly Invitae), Labcorp
Classification: Uncertain significance for STAT3 gain of function; Hyper-IgE recurrent infection syndrome 1, autosomal dominant. Last evaluated: 2024-06-13. Review status: criteria provided, single submitter. Criteria: Invitae Variant Classification Sherloc (09022015). Collection method: clinical testing. Allele origin: germline.
Comment: This sequence change replaces arginine, which is basic and polar, with cysteine, which is neutral and slightly polar, at codon 114 of the STAT3 protein (p.Arg114Cys). This variant is not present in population databases (gnomAD no frequency). This variant has not been reported in the literature in individuals affected with STAT3-related conditions. Advanced modeling of protein sequence and biophysical properties (such as structural, functional, and spatial information, amino acid conservation, physicochemical variation, residue mobility, and thermodynamic stability) performed at Invitae indicates that this missense variant is expected to disrupt STAT3 protein function with a positive predictive value of 80%. In summary, the available evidence is currently insufficient to determine the role of this variant in disease. Therefore, it has been classified as a Variant of Uncertain Significance.